The following is an entry in ClinVar:

NM_006206.6(PDGFRA):c.8C>G (p.Thr3Ser)

Gene: PDGFRA (platelet derived growth factor receptor alpha; plus strand). Cytogenetic location: 4q12.
Variant type: single nucleotide variant.
Coding change: c.8C>G on transcript NM_006206.6 (MANE Select); coding-DNA position 8, C replaced by G.
Protein change: p.Thr3Ser; replaces threonine 3 with serine.
Molecular consequence: missense variant.
Genome position (GRCh38, 1-based): chr4:54,258,776, C>G. VCF-style: chr4-54258776-C-G. GRCh37 (hg19) VCF-style: chr4-55124943-C-G.
Other names: c.8C>G, p.Thr3Ser (NM_001347827.2, NM_001347829.2); c.83C>G, p.Thr28Ser (NM_001347828.2); c.47C>G, p.Thr16Ser (NM_001347830.2); short protein forms T16S, T28S, T3S.
Identifiers: ClinVar variation 1765419 (VCV001765419.8), dbSNP rs2110235027, ClinGen allele CA356888052.

ClinVar aggregate classification (germline): Uncertain significance. Review status: criteria provided, multiple submitters, no conflicts (2 of 4 stars). 2 submissions from 2 submitters: Uncertain significance (2). Last evaluated 2025-04-10.

Conditions:
Hereditary cancer-predisposing syndrome. Also called: Neoplastic Syndromes, Hereditary; Tumor predisposition; Hereditary Cancer Syndrome; Hereditary neoplastic syndrome. Identifiers: Orphanet 140162, MedGen C0027672, MeSH D009386, MONDO:0015356.
Gastrointestinal stromal tumor. Also called: Gastrointestinal stromal tumor, somatic; Gastrointestinal stroma tumor. Identifiers: Orphanet 44890, MedGen C0238198, MeSH D046152, MONDO:0011719, OMIM 606764, HP:0100723.

Submissions (2):

Ambry Genetics
Classification: Uncertain significance for Hereditary cancer-predisposing syndrome. Last evaluated: 2025-04-10. Review status: criteria provided, single submitter. Criteria: Ambry Variant Classification Scheme 2023. Collection method: clinical testing. Allele origin: germline.
Comment: The p.T3S variant (also known as c.8C>G), located in coding exon 1 of the PDGFRA gene, results from a C to G substitution at nucleotide position 8. The threonine at codon 3 is replaced by serine, an amino acid with similar properties. This amino acid position is not well conserved in available vertebrate species. In addition, this alteration is predicted to be tolerated by in silico analysis. Based on the available evidence, the clinical significance of this variant remains unclear.

Labcorp Genetics (formerly Invitae), Labcorp
Classification: Uncertain significance for Gastrointestinal stromal tumor. Last evaluated: 2022-02-19. Review status: criteria provided, single submitter. Criteria: Invitae Variant Classification Sherloc (09022015). Collection method: clinical testing. Allele origin: germline.
Comment: In summary, the available evidence is currently insufficient to determine the role of this variant in disease. Therefore, it has been classified as a Variant of Uncertain Significance. Algorithms developed to predict the effect of missense changes on protein structure and function are either unavailable or do not agree on the potential impact of this missense change (SIFT: "Tolerated"; PolyPhen-2: "Possibly Damaging"; Align-GVGD: "Class C0"). This variant has not been reported in the literature in individuals affected with PDGFRA-related conditions. This variant is not present in population databases (gnomAD no frequency). This sequence change replaces threonine, which is neutral and polar, with serine, which is neutral and polar, at codon 3 of the PDGFRA protein (p.Thr3Ser).